The following is an entry in ClinVar:

ClinVar aggregate classification (germline): Likely benign. Review status: criteria provided, single submitter (1 of 4 stars). 2 submissions from 2 submitters: Likely benign (1). 1 of the submissions does not count toward it. Last evaluated 2026-01-24.

Conditions:
FAT1-related disorder. Also called: FAT1-related condition.

Allele frequency attached by ClinVar (database versions not stated): gnomAD exomes 0.00002; gnomAD 0.00003; TOPMed 0.00003; ExAC 0.00008.
gnomAD v4.1: 38 of 1,613,552 alleles (0.0024%); highest among the groups gnomAD compares: East Asian, 0.08%; no homozygotes.

Submissions (2):

Labcorp Genetics (formerly Invitae), Labcorp
Classification: Likely benign. Last evaluated: 2026-01-24. Review status: criteria provided, single submitter. Criteria: Invitae Variant Classification Sherloc (09022015). Collection method: clinical testing. Allele origin: germline.

PreventionGenetics, part of Exact Sciences
Classification: Likely benign for FAT1-related condition. Last evaluated: 2019-08-09. Review status: no assertion criteria provided. Collection method: clinical testing. Allele origin: germline. Not counted in ClinVar's aggregate classification.
Comment: This variant is classified as likely benign based on ACMG/AMP sequence variant interpretation guidelines (Richards et al. 2015 PMID: 25741868, with internal and published modifications).

NM_005245.4(FAT1):c.12066C>T (p.Cys4022=)

Gene: FAT1 (FAT atypical cadherin 1; minus strand). Cytogenetic location: 4q35.2.
Variant type: single nucleotide variant.
Coding change: c.12066C>T on transcript NM_005245.4 (MANE Select); coding-DNA position 12066, C replaced by T.
Protein change: p.Cys4022=; no amino-acid change (cysteine 4022 retained).
Molecular consequence: synonymous variant.
Genome position (GRCh38, 1-based): chr4:186,599,935, G>A on the plus strand (C>T on the coding strand, the complement: FAT1 is on the minus strand). VCF-style: chr4-186599935-G-A. GRCh37 (hg19) VCF-style: chr4-187521089-G-A.
Other names: c.12066C>T (NM_005245.3).
Identifiers: ClinVar variation 2414147 (VCV002414147.9), dbSNP rs771925804, ClinGen allele CA3164956.
Genomic context (GRCh38, chr4:186,599,935, plus strand): 5'-GATGGCAACATTACGGAGCCCACCTCCAGCAGGTGACGGATTGCAAACGCCTCCATTCTG[G>A]CAAGGGTTGCTGGCGCAGTCTTCCGTGGCCGTCAGGAAGCAGCCTGGAGATACATCCACC-3'
Protein context (NP_005236.2, residues 4012-4032): TATEDCASNP[Cys4022=]QNGGVCNPSP